The following is an entry in ClinVar:

NM_005762.3(TRIM28):c.870T>C (p.Arg290=)

Gene: TRIM28 (tripartite motif containing 28; plus strand). Cytogenetic location: 19q13.43.
Variant type: single nucleotide variant.
Coding change: c.870T>C on transcript NM_005762.3 (MANE Select); coding-DNA position 870, T replaced by C.
Protein change: p.Arg290=; no amino-acid change (arginine 290 retained).
Molecular consequence: synonymous variant.
Genome position (GRCh38, 1-based): chr19:58,547,822, T>C. VCF-style: chr19-58547822-T-C. GRCh37 (hg19) VCF-style: chr19-59059189-T-C.
Identifiers: ClinVar variation 4084819 (VCV004084819.8).
Genomic context (GRCh38, chr19:58,547,822, plus strand): 5'-CTACCTAGCCTGACCTGCTGTGTCCCCTAGAATCCGCCAGGTGTCTGACGTACAGAAGCG[T>C]GTGCAAGTGGATGTCAAGATGGCCATCCTGCAGATCATGAAGGAGCTGAATAAGCGGGGC-3'
Protein context (NP_005753.1, residues 280-300): SIRQVSDVQK[Arg290=]VQVDVKMAIL

ClinVar aggregate classification (germline): Likely benign (1 of 4 stars; one submission).

Submission:

CeGaT Center for Human Genetics Tuebingen
Classification: Likely benign. Last evaluated: 2025-08-01. Review status: criteria provided, single submitter. Criteria: CeGaT Center For Human Genetics Tuebingen Variant Classification Criteria Version 2. Collection method: clinical testing. Allele origin: germline. Affected: yes. Observed: 1 variant allele.
Comment: TRIM28: PM2:Supporting, BP4, BP7